The following is an entry in ClinVar:

ClinVar aggregate classification (germline): Uncertain significance (1 of 4 stars; one submission).

Submission:

Labcorp Genetics (formerly Invitae), Labcorp
Classification: Uncertain significance. Last evaluated: 2024-12-12. Review status: criteria provided, single submitter. Criteria: Invitae Variant Classification Sherloc (09022015). Collection method: clinical testing. Allele origin: germline.
Comment: This sequence change replaces arginine, which is basic and polar, with proline, which is neutral and non-polar, at codon 289 of the MOCS3 protein (p.Arg289Pro). This variant is not present in population databases (gnomAD no frequency). This variant has not been reported in the literature in individuals affected with MOCS3-related conditions. An algorithm developed to predict the effect of missense changes on protein structure and function (PolyPhen-2) suggests that this variant is likely to be tolerated. In summary, the available evidence is currently insufficient to determine the role of this variant in disease. Therefore, it has been classified as a Variant of Uncertain Significance.

NM_014484.5(MOCS3):c.866G>C (p.Arg289Pro)

Gene: MOCS3 (molybdenum cofactor synthesis 3; plus strand). Cytogenetic location: 20q13.13.
Variant type: single nucleotide variant.
Coding change: c.866G>C on transcript NM_014484.5 (MANE Select); coding-DNA position 866, G replaced by C.
Protein change: p.Arg289Pro; replaces arginine 289 with proline.
Molecular consequence: missense variant.
Genome position (GRCh38, 1-based): chr20:50,959,708, G>C. VCF-style: chr20-50959708-G-C. GRCh37 (hg19) VCF-style: chr20-49576245-G-C.
Other names: short protein forms R289P.
Identifiers: ClinVar variation 3727188 (VCV003727188.2).
Genomic context (GRCh38, chr20:50,959,708, plus strand): 5'-CCTCTTACAGTGGCAGCTTGTTGCTCTTTGATGCCCTGAGAGGGCATTTCCGCTCTATTC[G>C]GCTGCGGAGCCGCAGGCTCGACTGTGCAGCTTGCGGGGAACGGCCCACTGTGACTGATCT-3'
Protein context (NP_055299.1, residues 279-299): DALRGHFRSI[Arg289Pro]LRSRRLDCAA